The following is an entry in ClinVar:

NM_004434.3(EML1):c.207T>C (p.Thr69=)

Gene: EML1 (EMAP like 1; plus strand). Cytogenetic location: 14q32.2.
Variant type: single nucleotide variant.
Coding change: c.207T>C on transcript NM_004434.3 (MANE Select); coding-DNA position 207, T replaced by C.
Protein change: p.Thr69=; no amino-acid change (threonine 69 retained).
Molecular consequence: synonymous variant.
Genome position (GRCh38, 1-based): chr14:99,850,992, T>C. VCF-style: chr14-99850992-T-C. GRCh37 (hg19) VCF-style: chr14-100317329-T-C.
Other names: c.207T>C, p.Thr69= (NM_001008707.2, NM_001375412.1); c.168T>C, p.Thr56= (NM_001375411.1).
Identifiers: ClinVar variation 2188654 (VCV002188654.29), dbSNP rs377629941, ClinGen allele CA7342217.

ClinVar aggregate classification (germline): Likely benign. Review status: criteria provided, multiple submitters, no conflicts (2 of 4 stars). 3 submissions from 3 submitters: Likely benign (3). Last evaluated 2025-10-26.

Allele frequency attached by ClinVar (database versions not stated): TOPMed 0.00005; ExAC 0.00008; ESP Exome Variant Server 0.00008; gnomAD 0.00011.
gnomAD v4.1: 166 of 1,614,002 alleles (0.01%); highest among the groups gnomAD compares: Non-Finnish European, 0.0079%; no homozygotes.

Submissions (3):

Labcorp Genetics (formerly Invitae), Labcorp
Classification: Likely benign. Last evaluated: 2025-10-26. Review status: criteria provided, single submitter. Criteria: Invitae Variant Classification Sherloc (09022015). Collection method: clinical testing. Allele origin: germline.

Blueprint Genetics
Classification: Likely benign. Last evaluated: 2024-11-19. Review status: criteria provided, single submitter. Criteria: ACMG Guidelines, 2015. Collection method: clinical testing. Allele origin: germline.

CeGaT Center for Human Genetics Tuebingen
Classification: Likely benign. Last evaluated: 2023-10-01. Review status: criteria provided, single submitter. Criteria: CeGaT Center For Human Genetics Tuebingen Variant Classification Criteria Version 2. Collection method: clinical testing. Allele origin: germline. Affected: yes. Observed: 3 variant alleles.
Comment: EML1: BP4, BP7